The following is an entry in ClinVar:

ClinVar aggregate classification (germline): Uncertain significance (1 of 4 stars; one submission).

Conditions:
Spastic paraplegia. Identifiers: MedGen C0037772, HP:0001258.

gnomAD v4.1: 1 of 1,211,604 alleles (0.000083%); highest among the groups gnomAD compares: Non-Finnish European, 0.00011%; no homozygotes.

Submission:

Labcorp Genetics (formerly Invitae), Labcorp
Classification: Uncertain significance for Spastic paraplegia. Last evaluated: 2022-11-01. Review status: criteria provided, single submitter. Criteria: Invitae Variant Classification Sherloc (09022015). Collection method: clinical testing. Allele origin: germline.
Comment: In summary, the available evidence is currently insufficient to determine the role of this variant in disease. Therefore, it has been classified as a Variant of Uncertain Significance. Advanced modeling of protein sequence and biophysical properties (such as structural, functional, and spatial information, amino acid conservation, physicochemical variation, residue mobility, and thermodynamic stability) performed at Invitae indicates that this missense variant is not expected to disrupt L1CAM protein function. ClinVar contains an entry for this variant (Variation ID: 1361312). This variant has not been reported in the literature in individuals affected with L1CAM-related conditions. This variant is not present in population databases (gnomAD no frequency). This sequence change replaces histidine, which is basic and polar, with aspartic acid, which is acidic and polar, at codon 892 of the L1CAM protein (p.His892Asp).

NM_001278116.2(L1CAM):c.2674C>G (p.His892Asp)

Gene: L1CAM (L1 cell adhesion molecule; minus strand). Cytogenetic location: Xq28.
Variant type: single nucleotide variant.
Coding change: c.2674C>G on transcript NM_001278116.2 (MANE Select); coding-DNA position 2674, C replaced by G.
Protein change: p.His892Asp; replaces histidine 892 with aspartic acid.
Molecular consequence: missense variant.
Genome position (GRCh38, 1-based): chrX:153,865,374, G>C on the plus strand (C>G on the coding strand, the complement: L1CAM is on the minus strand). VCF-style: chrX-153865374-G-C. GRCh37 (hg19) VCF-style: chrX-153130829-G-C.
Other names: c.2674C>G, p.His892Asp (NM_000425.5, NM_024003.3); c.2659C>G, p.His887Asp (NM_001143963.2); short protein forms H887D, H892D.
Identifiers: ClinVar variation 1361312 (VCV001361312.8), dbSNP rs2148494073, ClinGen allele CA415115833.
Genomic context (GRCh38, chrX:153,865,374, plus strand): 5'-TGAAGGTGAACTCGCTGGCGGGCCCCGATCCTCGCCCGTTAAAGGCCTGCACCTCCAGGT[G>C]GTAGGAGCTATAGGGCCGCAAGCCACTGAGGATGACACTGGTGGTGTTGGCGGGCACCAC-3'
Protein context (NP_001265045.1, residues 882-902): LSGLRPYSSY[His892Asp]LEVQAFNGRG